The following is an entry in ClinVar:

NM_001365276.2(TNXB):c.10216C>T (p.Arg3406Trp)

Gene: TNXB (tenascin XB; minus strand). Cytogenetic location: 6p21.33.
Variant type: single nucleotide variant.
Coding change: c.10216C>T on transcript NM_001365276.2 (MANE Select); coding-DNA position 10216, C replaced by T.
Protein change: p.Arg3406Trp; replaces arginine 3406 with tryptophan.
Molecular consequence: missense variant.
Genome position (GRCh38, 1-based): chr6:32,047,842, G>A on the plus strand (C>T on the coding strand, the complement: TNXB is on the minus strand). VCF-style: chr6-32047842-G-A. GRCh37 (hg19) VCF-style: chr6-32015619-G-A.
Other names: c.10210C>T, p.Arg3404Trp (NM_019105.8); short protein forms R3404W, R3406W.
Identifiers: ClinVar variation 1760110 (VCV001760110.6), dbSNP rs375911095, ClinGen allele CA3733277.

ClinVar aggregate classification (germline): Uncertain significance. Review status: criteria provided, multiple submitters, no conflicts (2 of 4 stars). 2 submissions from 2 submitters: Uncertain significance (2). Last evaluated 2025-12-22.

Conditions:
Cardiovascular phenotype. Identifiers: MedGen CN230736.

Allele frequency attached by ClinVar (database versions not stated): ExAC 0.00001; gnomAD 0.00002; TOPMed 0.00003; ESP Exome Variant Server 0.00012.
gnomAD v4.1: 41 of 1,611,902 alleles (0.0025%); highest among the groups gnomAD compares: Non-Finnish European, 0.0031%; no homozygotes.

Submissions (2):

Women's Health and Genetics/Laboratory Corporation of America, LabCorp
Classification: Uncertain significance. Last evaluated: 2025-12-22. Review status: criteria provided, single submitter. Criteria: LabCorp Variant Classification Summary - May 2015. Collection method: clinical testing. Allele origin: germline.
Comment: Variant summary: TNXB c.10210C>T (p.Arg3404Trp) results in a non-conservative amino acid change in the encoded protein sequence. Algorithms developed to predict the effect of missense changes on protein structure and function are either unavailable or do not agree on the potential impact of this missense change. The variant allele was found at a frequency of 1.6e-05 in 243492 control chromosomes. The available data on variant occurrences in the general population are insufficient to allow any conclusion about variant significance. To our knowledge, no occurrence of c.10210C>T in individuals affected with TNXB-related conditions and no experimental evidence demonstrating its impact on protein function have been reported. ClinVar contains an entry for this variant (Variation ID: 1760110). Based on the evidence outlined above, the variant was classified as uncertain significance.

Ambry Genetics
Classification: Uncertain significance for Cardiovascular phenotype. Last evaluated: 2025-01-31. Review status: criteria provided, single submitter. Criteria: Ambry Variant Classification Scheme 2023. Collection method: clinical testing. Allele origin: germline.